The following is an entry in ClinVar:

ClinVar aggregate classification (germline): Likely benign (1 of 4 stars; one submission).

Submission:

CeGaT Center for Human Genetics Tuebingen
Classification: Likely benign. Last evaluated: 2025-02-01. Review status: criteria provided, single submitter. Criteria: CeGaT Center For Human Genetics Tuebingen Variant Classification Criteria Version 2. Collection method: clinical testing. Allele origin: germline. Affected: yes. Observed: 2 variant alleles.
Comment: MUC19: BP4, BP7

NC_000012.12:g.40485670A>G

Gene: MUC19 (mucin 19, oligomeric (gene/pseudogene); plus strand). Cytogenetic location: 12q12.
Variant type: single nucleotide variant.
Genome position: GRCh38 VCF-style: chr12-40485670-A-G. GRCh37 (hg19) VCF-style: chr12-40879472-A-G.
Identifiers: ClinVar variation 3771104 (VCV003771104.13).
Genomic context (GRCh38, chr12:40,485,670, plus strand): 5'-GACAGGGACAGGTAGACTATCAGCTGAAGTGACAGGGACAACTGGCCCATCAGCTGAAGT[A>G]ACAGGGCTACCTGGAGAATCAGCTGAGGTGACAGGGACAATTGGATCACCAGCTGGAGTG-3'